The following is an entry in ClinVar:

ClinVar aggregate classification (germline): Pathogenic (1 of 4 stars; one submission).

Conditions:
Glycogen storage disease, type II (IOPD). Also called: GLYCOGENOSIS, GENERALIZED, CARDIAC FORM; GSD II; POMPE DISEASE, INFANTILE-ONSET; GLYCOGEN STORAGE DISEASE II, INFANTILE-ONSET; ACID ALPHA-GLUCOSIDASE DEFICIENCY, INFANTILE-ONSET; GAA DEFICIENCY, INFANTILE-ONSET. Identifiers: Orphanet 365, MedGen C0017921, MONDO:0009290, OMIM 232300.

Submission:

Labcorp Genetics (formerly Invitae), Labcorp
Classification: Pathogenic for Glycogen storage disease, type II. Last evaluated: 2023-10-23. Review status: criteria provided, single submitter. Criteria: Invitae Variant Classification Sherloc (09022015). Collection method: clinical testing. Allele origin: germline.
Comment: This sequence change creates a premature translational stop signal (p.Glu521Serfs*57) in the GAA gene. It is expected to result in an absent or disrupted protein product. Loss-of-function variants in GAA are known to be pathogenic (PMID: 18425781, 22252923). This variant is not present in population databases (gnomAD no frequency). This variant has not been reported in the literature in individuals affected with GAA-related conditions. For these reasons, this variant has been classified as Pathogenic.

Literature cited by the submitters: PubMed 18425781; PubMed 22252923.

NM_000152.5(GAA):c.1561del (p.Glu521fs)

Gene: GAA (alpha glucosidase; plus strand). Cytogenetic location: 17q25.3.
Variant type: Deletion.
Coding change: c.1561del on transcript NM_000152.5 (MANE Select); coding-DNA position 1561, one base deleted (G; older notation c.1561delG).
Protein change: p.Glu521fs; shifts the reading frame from glutamic acid 521.
Molecular consequence: frameshift variant.
Genome position (GRCh38, 1-based): chr17:80,110,950, G deleted. VCF-style (leftmost placement, unchanged base first): chr17-80110949-CG-C. GRCh37 (hg19) VCF-style: chr17-78084748-CG-C.
Other names: c.1561del, p.Glu521fs (NM_001079803.3, NM_001079804.3, NM_001406741.1 and 1 more transcripts); short protein forms E521fs.
Identifiers: ClinVar variation 2766407 (VCV002766407.3), dbSNP rs2479896089, ClinGen allele CA2697555224.